The following is an entry in ClinVar:

NM_001364857.2(ADGRB2):c.4394G>A (p.Arg1465Gln)

Gene: ADGRB2 (adhesion G protein-coupled receptor B2; minus strand). Cytogenetic location: 1p35.2.
Variant type: single nucleotide variant.
Coding change: c.4394G>A on transcript NM_001364857.2 (MANE Select); coding-DNA position 4394, G replaced by A.
Protein change: p.Arg1465Gln; replaces arginine 1465 with glutamine.
Molecular consequence: missense variant.
Genome position (GRCh38, 1-based): chr1:31,728,620, C>T on the plus strand (G>A on the coding strand, the complement: ADGRB2 is on the minus strand). VCF-style: chr1-31728620-C-T. GRCh37 (hg19) VCF-style: chr1-32194221-C-T.
Other names: c.4394G>A, p.Arg1465Gln (NM_001294335.2); c.4295G>A, p.Arg1432Gln (NM_001294336.2); c.4394G>A (NM_001703.2); short protein forms R1432Q, R1465Q.
Identifiers: ClinVar variation 4014440 (VCV004014440.2).

ClinVar aggregate classification (germline): Uncertain significance. Review status: criteria provided, multiple submitters, no conflicts (2 of 4 stars). 2 submissions from 2 submitters: Uncertain significance (2). Last evaluated 2025-10-01.

gnomAD v4.1: 16 of 1,613,872 alleles (0.00099%); highest among the groups gnomAD compares: East Asian, 0.018%; no homozygotes.

Submissions (2):

Labcorp Genetics (formerly Invitae), Labcorp
Classification: Uncertain significance. Last evaluated: 2025-10-01. Review status: criteria provided, single submitter. Criteria: Invitae Variant Classification Sherloc (09022015). Collection method: clinical testing. Allele origin: germline.
Comment: This sequence change replaces arginine, which is basic and polar, with glutamine, which is neutral and polar, at codon 1432 of the ADGRB2 protein (p.Arg1432Gln). This variant is present in population databases (rs377690132, gnomAD 0.05%). This variant has not been reported in the literature in individuals affected with ADGRB2-related conditions. ClinVar contains an entry for this variant (Variation ID: 4014440). An algorithm developed to predict the effect of missense changes on protein structure and function (PolyPhen-2) suggests that this variant is likely to be tolerated. In summary, the available evidence is currently insufficient to determine the role of this variant in disease. Therefore, it has been classified as a Variant of Uncertain Significance.

Ambry Genetics
Classification: Uncertain significance. Last evaluated: 2025-05-19. Review status: criteria provided, single submitter. Criteria: Ambry Variant Classification Scheme 2023. Collection method: clinical testing. Allele origin: germline.